The following is an entry in ClinVar:

ClinVar aggregate classification (germline): Uncertain significance (1 of 4 stars; one submission).

Conditions:
Diamond-Blackfan anemia 5 (DBA5). Also called: RPL35A-Related Diamond-Blackfan Anemia. Identifiers: Orphanet 124, MedGen C2675859, MONDO:0012925, OMIM 612528.

gnomAD v4.1: 5 of 1,614,156 alleles (0.00031%); highest among the groups gnomAD compares: Non-Finnish European, 0.00042%; no homozygotes.

Submission:

Labcorp Genetics (formerly Invitae), Labcorp
Classification: Uncertain significance for Diamond-Blackfan anemia 5. Last evaluated: 2024-04-02. Review status: criteria provided, single submitter. Criteria: Invitae Variant Classification Sherloc (09022015). Collection method: clinical testing. Allele origin: germline.
Comment: This sequence change replaces histidine, which is basic and polar, with tyrosine, which is neutral and polar, at codon 99 of the RPL35A protein (p.His99Tyr). This variant is not present in population databases (gnomAD no frequency). This variant has not been reported in the literature in individuals affected with RPL35A-related conditions. An algorithm developed to predict the effect of missense changes on protein structure and function (PolyPhen-2) suggests that this variant is likely to be tolerated. In summary, the available evidence is currently insufficient to determine the role of this variant in disease. Therefore, it has been classified as a Variant of Uncertain Significance.

NM_000996.4(RPL35A):c.295C>T (p.His99Tyr)

Genes: DRC9 (dynein regulatory complex subunit 9; minus strand), RPL35A (ribosomal protein L35a; plus strand). Cytogenetic location: 3q29.
Variant type: single nucleotide variant.
Coding change: c.295C>T on transcript NM_000996.4 (MANE Select); coding-DNA position 295, C replaced by T.
Protein change: p.His99Tyr; replaces histidine 99 with tyrosine.
Molecular consequence: missense variant. On other transcripts: intron variant (3).
Genome position (GRCh38, 1-based): chr3:197,954,133, C>T. VCF-style: chr3-197954133-C-T. GRCh37 (hg19) VCF-style: chr3-197681004-C-T.
Other names: c.295C>T, p.His99Tyr (NM_001316311.2); c.-50+5396G>A (NM_001323028.2); c.-60+5396G>A (NM_032263.5); c.-375+5396G>A (NM_001323029.2); short protein forms H99Y.
Identifiers: ClinVar variation 3670238 (VCV003670238.2).